The following is an entry in ClinVar:

ClinVar aggregate classification (germline): Uncertain significance (1 of 4 stars; one submission).

Submission:

GeneDx
Classification: Uncertain significance. Last evaluated: 2023-02-02. Review status: criteria provided, single submitter. Criteria: GeneDx Variant Classification Process June 2021. Collection method: clinical testing. Allele origin: germline. Affected: yes.
Comment: Not observed at significant frequency in large population cohorts (gnomAD); In silico analysis supports that this missense variant does not alter protein structure/function; Has not been previously published as pathogenic or benign to our knowledge

NM_030632.3(ASXL3):c.2267C>T (p.Ser756Phe)

Gene: ASXL3 (ASXL transcriptional regulator 3; plus strand). Cytogenetic location: 18q12.1.
Variant type: single nucleotide variant.
Coding change: c.2267C>T on transcript NM_030632.3 (MANE Select); coding-DNA position 2267, C replaced by T.
Protein change: p.Ser756Phe; replaces serine 756 with phenylalanine.
Molecular consequence: missense variant.
Genome position (GRCh38, 1-based): chr18:33,739,671, C>T. VCF-style: chr18-33739671-C-T. GRCh37 (hg19) VCF-style: chr18-31319635-C-T.
Other names: short protein forms S756F.
Identifiers: ClinVar variation 2574998 (VCV002574998.1), dbSNP rs2510919175, ClinGen allele CA402178741.